The following is an entry in ClinVar:

NM_006231.4(POLE):c.5002G>A (p.Gly1668Ser)

Gene: POLE (DNA polymerase epsilon, catalytic subunit; minus strand). Cytogenetic location: 12q24.33.
Variant type: single nucleotide variant.
Coding change: c.5002G>A on transcript NM_006231.4 (MANE Select); coding-DNA position 5002, G replaced by A.
Protein change: p.Gly1668Ser; replaces glycine 1668 with serine.
Molecular consequence: missense variant.
Genome position (GRCh38, 1-based): chr12:132,642,348, C>T on the plus strand (G>A on the coding strand, the complement: POLE is on the minus strand). VCF-style: chr12-132642348-C-T. GRCh37 (hg19) VCF-style: chr12-133218934-C-T.
Other names: short protein forms G1668S.
Identifiers: ClinVar variation 405839 (VCV000405839.34), dbSNP rs371348453, ClinGen allele CA16613805.

ClinVar aggregate classification (germline): Uncertain significance. Review status: criteria provided, multiple submitters, no conflicts (2 of 4 stars). 11 submissions from 11 submitters: Uncertain significance (10). 1 of the submissions does not count toward it. Last evaluated 2026-01-28.

Conditions:
Polymerase proofreading-related adenomatous polyposis. Also called: Polymerase proofreading associated polyposis; Polymerase proofreading–associated polyposis (PPAP). Identifiers: Orphanet 447877, MedGen C5202613, MONDO:0018653.
Hereditary cancer-predisposing syndrome. Also called: Hereditary Cancer Syndrome; Hereditary neoplastic syndrome; Neoplastic Syndromes, Hereditary; Tumor predisposition. Identifiers: Orphanet 140162, MedGen C0027672, MeSH D009386, MONDO:0015356.
Colorectal cancer, susceptibility to, 12 (CRCS12). Also called: COLORECTAL CANCER, SUSCEPTIBILITY TO, ON CHROMOSOME 12q24. Identifiers: Orphanet 220460, MedGen C3554460, MONDO:0014038, OMIM 615083.

Allele frequency attached by ClinVar (database versions not stated): gnomAD exomes below 0.00001 and 0.00001; gnomAD 0.00003 and 0.00004; TOPMed 0.00003.
gnomAD v4.1: 27 of 1,589,256 alleles (0.0017%); highest among the groups gnomAD compares: East Asian, 0.0067%; no homozygotes.

Submissions (11):

Labcorp Genetics (formerly Invitae), Labcorp
Classification: Uncertain significance. Last evaluated: 2026-01-28. Review status: criteria provided, single submitter. Criteria: Invitae Variant Classification Sherloc (09022015). Collection method: clinical testing. Allele origin: germline.
Comment: This sequence change replaces glycine, which is neutral and non-polar, with serine, which is neutral and polar, at codon 1668 of the POLE protein (p.Gly1668Ser). This variant is present in population databases (rs371348453, gnomAD 0.005%). This variant has not been reported in the literature in individuals affected with POLE-related conditions. ClinVar contains an entry for this variant (Variation ID: 405839). Invitae Evidence Modeling of protein sequence and biophysical properties (such as structural, functional, and spatial information, amino acid conservation, physicochemical variation, residue mobility, and thermodynamic stability) indicates that this missense variant is not expected to disrupt POLE protein function with a negative predictive value of 80%. RNA analysis performed to evaluate the impact of this missense change on mRNA splicing indicates it does not significantly alter splicing (internal data). In summary, the available evidence is currently insufficient to determine the role of this variant in disease. Therefore, it has been classified as a Variant of Uncertain Significance.

ARUP Laboratories, Molecular Genetics and Genomics, ARUP Laboratories
Classification: Uncertain significance. Last evaluated: 2025-05-02. Review status: criteria provided, single submitter. Criteria: ARUP Molecular Germline Variant Investigation Process 2024. Collection method: clinical testing. Allele origin: germline.
Comment: The POLE c.5002G>A; p.Gly1668Ser variant (rs371348453, ClinVar Variation ID: 405839) is reported in the literature in individuals affected with breast cancer (de Oliveira 2022) and endometrial cancer (Henry 2021). This variant is observed on only three alleles in the Genome Aggregation Database (v2.1.1), indicating it is not a common polymorphism. Computational analyses are uncertain whether this variant is neutral or deleterious (REVEL: 0.303). This variant is not located in the exonuclease domain (Palles 2013), and gene-disease association has not been established for variants outside of the exonuclease domain (Seifert 2019). Due to limited information, the clinical significance of this variant is uncertain at this time. References: de Oliveira JM et al. The genetics of hereditary cancer risk syndromes in Brazil: a comprehensive analysis of 1682 patients. Eur J Hum Genet. 2022 Jul;30(7):818-823. PMID: 35534704. Henry CE et al. Molecular Profiling of Endometrial Cancer: An Exploratory Study in Aotearoa, New Zealand. Cancers (Basel). 2021 Nov 11;13(22):5641. PMID: 34830795. Palles C et al. Germline mutations affecting the proofreading domains of POLE and POLD1 predispose to colorectal adenomas and carcinomas. Nat Genet. 2013 Feb;45(2):136-44. Seifert BA et al. Determining the clinical validity of hereditary colorectal cancer and polyposis susceptibility genes using the Clinical Genome Resource Clinical Validity Framework. Genet Med. 2019 Jul;21(7):1507-1516.

Ambry Genetics
Classification: Uncertain significance for Hereditary cancer-predisposing syndrome. Last evaluated: 2025-03-18. Review status: criteria provided, single submitter. Criteria: Ambry Variant Classification Scheme 2023. Collection method: clinical testing. Allele origin: germline.
Comment: The p.G1668S variant (also known as c.5002G>A), located in coding exon 38 of the POLE gene, results from a G to A substitution at nucleotide position 5002. The glycine at codon 1668 is replaced by serine, an amino acid with similar properties. This amino acid position is highly conserved in available vertebrate species. In addition, the in silico prediction for this alteration is inconclusive. Based on the available evidence, the clinical significance of this variant remains unclear.

Center for Genomic Medicine, Rigshospitalet, Copenhagen University Hospital
Classification: Uncertain significance. Last evaluated: 2025-03-04. Review status: criteria provided, single submitter. Criteria: ACMG Guidelines, 2015. Collection method: clinical testing. Allele origin: germline.

GeneDx
Classification: Uncertain significance. Last evaluated: 2024-05-13. Review status: criteria provided, single submitter. Criteria: GeneDx Variant Classification Process June 2021. Collection method: clinical testing. Allele origin: germline. Affected: yes.
Comment: In silico analysis supports that this missense variant has a deleterious effect on protein structure/function; In silico analysis suggests this variant may impact gene splicing. In the absence of RNA/functional studies, the actual effect of this sequence change is unknown.; This variant is associated with the following publications: (PMID: 35534704, 32546565)

Department of Pathology and Laboratory Medicine, Sinai Health System
Classification: Uncertain significance for Polymerase proofreading-related adenomatous polyposis. Last evaluated: 2024-01-23. Review status: criteria provided, single submitter. Criteria: ACMG Guidelines, 2015. Collection method: clinical testing. Allele origin: germline. Affected: yes.

Laboratorio de Genetica e Diagnostico Molecular, Hospital Israelita Albert Einstein
Classification: Uncertain significance for Colorectal cancer, susceptibility to, 12. Last evaluated: 2022-06-10. Review status: criteria provided, single submitter. Criteria: ACMG Guidelines, 2015. Collection method: clinical testing. Allele origin: germline. Affected: yes. Observed: 1 variant allele.
Comment: ACMG classification criteria: PM2 moderated, BP4 supporting

Baylor Genetics
Classification: Uncertain significance for Colorectal cancer, susceptibility to, 12. Last evaluated: 2020-02-11. Review status: criteria provided, single submitter. Criteria: ACMG Guidelines, 2015. Collection method: clinical testing. Allele origin: unknown. Affected: yes. Study: CSER-TexasKidsCanSeq.
Comment: This variant was determined to be of uncertain significance according to ACMG Guidelines, 2015 [PMID:25741868].

Quest Diagnostics Nichols Institute San Juan Capistrano
Classification: Uncertain significance. Last evaluated: 2017-05-28. Review status: criteria provided, single submitter. Criteria: Quest Diagnostics criteria. Collection method: clinical testing. Allele origin: germline.

Laboratory for Molecular Medicine, Mass General Brigham Personalized Medicine
Classification: Uncertain significance. Last evaluated: 2016-11-17. Review status: criteria provided, single submitter. Criteria: LMM Criteria. Collection method: clinical testing. Allele origin: germline. Observed: 1 variant allele.
Comment: The p.Gly1668Ser variant in POLE has not been previously reported in individuals with colorectal cancer or in large population studies. Computational prediction tools and conservation analysis do not provide strong support for or against an impact to the protein. In summary, the clinical significance of the p.Gly1668Se r variant is uncertain.

True Health Diagnostics
Classification: Uncertain significance for Hereditary cancer-predisposing syndrome. Last evaluated: 2017-12-01. Review status: no assertion criteria provided. Collection method: clinical testing. Allele origin: germline. Not counted in ClinVar's aggregate classification.